The following is an entry in ClinVar:

NM_006017.3(PROM1):c.1922C>A (p.Ser641Tyr)

Gene: PROM1 (prominin 1; minus strand). Cytogenetic location: 4p15.32.
Variant type: single nucleotide variant.
Coding change: c.1922C>A on transcript NM_006017.3 (MANE Select); coding-DNA position 1922, C replaced by A.
Protein change: p.Ser641Tyr; replaces serine 641 with tyrosine.
Molecular consequence: missense variant.
Genome position (GRCh38, 1-based): chr4:15,991,283, G>T on the plus strand (C>A on the coding strand, the complement: PROM1 is on the minus strand). VCF-style: chr4-15991283-G-T. GRCh37 (hg19) VCF-style: chr4-15992906-G-T.
Other names: c.1895C>A, p.Ser632Tyr (NM_001145847.2, NM_001145848.2, NM_001145851.2 and 4 more transcripts); c.1922C>A, p.Ser641Tyr (NM_001145849.2, NM_001145850.2); short protein forms S641Y, S632Y.
Identifiers: ClinVar variation 2078795 (VCV002078795.6), dbSNP rs2149113732, ClinGen allele CA356430504.

ClinVar aggregate classification (germline): Uncertain significance. Review status: criteria provided, multiple submitters, no conflicts (2 of 4 stars). 3 submissions from 3 submitters: Uncertain significance (3). Last evaluated 2023-10-01.

Conditions:
Retinal dystrophy. Also called: Inherited retinal dystrophy. Identifiers: Orphanet 71862, MedGen C0854723, MeSH D058499, MONDO:0019118, HP:0000556.

Submissions (3):

Dept Of Ophthalmology, Nagoya University
Classification: Uncertain significance for Retinal dystrophy. Last evaluated: 2023-10-01. Review status: criteria provided, single submitter. Criteria: Submitter's publication. Collection method: research. Allele origin: germline. Affected: yes.

Labcorp Genetics (formerly Invitae), Labcorp
Classification: Uncertain significance. Last evaluated: 2022-10-05. Review status: criteria provided, single submitter. Criteria: Invitae Variant Classification Sherloc (09022015). Collection method: clinical testing. Allele origin: germline.
Comment: This variant has not been reported in the literature in individuals affected with PROM1-related conditions. This variant is not present in population databases (gnomAD no frequency). This sequence change replaces serine, which is neutral and polar, with tyrosine, which is neutral and polar, at codon 641 of the PROM1 protein (p.Ser641Tyr). In summary, the available evidence is currently insufficient to determine the role of this variant in disease. Therefore, it has been classified as a Variant of Uncertain Significance. Advanced modeling of protein sequence and biophysical properties (such as structural, functional, and spatial information, amino acid conservation, physicochemical variation, residue mobility, and thermodynamic stability) performed at Invitae indicates that this missense variant is not expected to disrupt PROM1 protein function.

Blueprint Genetics
Classification: Uncertain significance. Last evaluated: 2021-12-21. Review status: criteria provided, single submitter. Criteria: ACMG Guidelines, 2015. Collection method: clinical testing. Allele origin: germline.